The following is an entry in ClinVar:

NM_030957.4(ADAMTS10):c.1449T>G (p.His483Gln)

Gene: ADAMTS10 (ADAM metallopeptidase with thrombospondin type 1 motif 10; minus strand). Cytogenetic location: 19p13.2.
Variant type: single nucleotide variant.
Coding change: c.1449T>G on transcript NM_030957.4 (MANE Select); coding-DNA position 1449, T replaced by G.
Protein change: p.His483Gln; replaces histidine 483 with glutamine.
Molecular consequence: missense variant.
Genome position (GRCh38, 1-based): chr19:8,595,792, A>C on the plus strand (T>G on the coding strand, the complement: ADAMTS10 is on the minus strand). VCF-style: chr19-8595792-A-C. GRCh37 (hg19) VCF-style: chr19-8660676-A-C.
Other names: short protein forms H483Q.
Identifiers: ClinVar variation 1947356 (VCV001947356.2), dbSNP rs781894690, ClinGen allele CA9160518.

ClinVar aggregate classification (germline): Uncertain significance (1 of 4 stars; one submission).

Allele frequency attached by ClinVar (database versions not stated): TOPMed 0.00001; ExAC 0.00002.
gnomAD v4.1: 7 of 1,611,576 alleles (0.00043%); highest among the groups gnomAD compares: Non-Finnish European, 0.00059%; no homozygotes.

Submission:

Labcorp Genetics (formerly Invitae), Labcorp
Classification: Uncertain significance. Last evaluated: 2022-01-22. Review status: criteria provided, single submitter. Criteria: Invitae Variant Classification Sherloc (09022015). Collection method: clinical testing. Allele origin: germline.
Comment: This sequence change replaces histidine, which is basic and polar, with glutamine, which is neutral and polar, at codon 483 of the ADAMTS10 protein (p.His483Gln). This variant is present in population databases (rs781894690, gnomAD 0.003%). This variant has not been reported in the literature in individuals affected with ADAMTS10-related conditions. Algorithms developed to predict the effect of missense changes on protein structure and function are either unavailable or do not agree on the potential impact of this missense change (SIFT: "Deleterious"; PolyPhen-2: "Possibly Damaging"; Align-GVGD: "Class C0"). Algorithms developed to predict the effect of sequence changes on RNA splicing suggest that this variant may create or strengthen a splice site. In summary, the available evidence is currently insufficient to determine the role of this variant in disease. Therefore, it has been classified as a Variant of Uncertain Significance.